The following is an entry in ClinVar:

NM_001387263.1(PATL2):c.255C>T (p.Ala85=)

Gene: PATL2 (PAT1 homolog 2; minus strand). Cytogenetic location: 15q21.1.
Variant type: single nucleotide variant.
Coding change: c.255C>T on transcript NM_001387263.1 (MANE Select); coding-DNA position 255, C replaced by T.
Protein change: p.Ala85=; no amino-acid change (alanine 85 retained).
Molecular consequence: synonymous variant. On other transcripts: intron variant (1).
Genome position (GRCh38, 1-based): chr15:44,674,198, G>A on the plus strand (C>T on the coding strand, the complement: PATL2 is on the minus strand). VCF-style: chr15-44674198-G-A. GRCh37 (hg19) VCF-style: chr15-44966396-G-A.
Other names: c.255C>T, p.Ala85= (NM_001145112.2, NM_001387260.1, NM_001387261.1 and 2 more transcripts); c.-348+95C>T (NM_001330283.2).
Identifiers: ClinVar variation 3053240 (VCV003053240.2), dbSNP rs749598645, ClinGen allele CA7536196.

ClinVar aggregate classification (germline): Likely benign (0 of 4 stars; one submission).

Conditions:
PATL2-related disorder. Also called: PATL2-related condition.

Allele frequency attached by ClinVar (database versions not stated): TOPMed 0.00007; ExAC 0.00016.
gnomAD v4.1: 110 of 1,550,692 alleles (0.0071%); highest among the groups gnomAD compares: Non-Finnish European, 0.0089%; no homozygotes.

Submission:

PreventionGenetics, part of Exact Sciences
Classification: Likely benign for PATL2-related condition. Last evaluated: 2019-08-21. Review status: no assertion criteria provided. Collection method: clinical testing. Allele origin: germline.
Comment: This variant is classified as likely benign based on ACMG/AMP sequence variant interpretation guidelines (Richards et al. 2015 PMID: 25741868, with internal and published modifications).